The following is an entry in ClinVar:

NM_001378454.1(ALMS1):c.9454A>T (p.Ile3152Leu)

Gene: ALMS1 (ALMS1 centrosome and basal body associated protein; plus strand). Cytogenetic location: 2p13.1.
Variant type: single nucleotide variant.
Coding change: c.9454A>T on transcript NM_001378454.1 (MANE Select); coding-DNA position 9454, A replaced by T.
Protein change: p.Ile3152Leu; replaces isoleucine 3152 with leucine.
Molecular consequence: missense variant.
Genome position (GRCh38, 1-based): chr2:73,491,413, A>T. VCF-style: chr2-73491413-A-T. GRCh37 (hg19) VCF-style: chr2-73718540-A-T.
Other names: c.9457A>T, p.Ile3153Leu (NM_015120.4); short protein forms I3152L, I3153L.
Identifiers: ClinVar variation 2629575 (VCV002629575.1), dbSNP rs761831256, ClinGen allele CA347275157.

ClinVar aggregate classification (germline): Uncertain significance (1 of 4 stars; one submission).

Conditions:
ALMS1-related disorder. Also called: ALMS1-related condition.

Submission:

PreventionGenetics, part of Exact Sciences
Classification: Uncertain significance for ALMS1-related condition. Last evaluated: 2023-04-28. Review status: criteria provided, single submitter. Criteria: ACMG Guidelines, 2015. Collection method: clinical testing. Allele origin: germline.
Comment: The ALMS1 c.9457A>T variant is predicted to result in the amino acid substitution p.Thr3153Ser. To our knowledge, this variant has not been reported in the literature. This variant is reported in 0.098% of alleles in individuals of South Asian descent in gnomAD, which is more frequent than expected for an undocumented pathogenic variant. Although we suspect that this variant may be benign, at this time, the clinical significance of this variant is uncertain due to the absence of conclusive functional and genetic evidence.